The following is an entry in ClinVar:

ClinVar aggregate classification (germline): Likely benign (1 of 4 stars; one submission).

Conditions:
NRP2-related disorder. Also called: NRP2-related condition.

gnomAD v4.1: 3 of 1,614,012 alleles (0.00019%); highest among the groups gnomAD compares: South Asian, 0.0022%; no homozygotes.

Submission:

PreventionGenetics, part of Exact Sciences
Classification: Likely benign for NRP2-related condition. Last evaluated: 2025-08-18. Review status: criteria provided, single submitter. Criteria: ACMG Guidelines, 2015. Collection method: clinical testing. Allele origin: germline.
Comment: This variant is classified as likely benign based on ACMG/AMP sequence variant interpretation guidelines (Richards et al. 2015 PMID: 25741868, with internal and published modifications).

NM_003872.3(NRP2):c.873A>G (p.Glu291=)

Gene: NRP2 (neuropilin 2; plus strand). Cytogenetic location: 2q33.3.
Variant type: single nucleotide variant.
Coding change: c.873A>G on transcript NM_003872.3 (MANE Select); coding-DNA position 873, A replaced by G.
Protein change: p.Glu291=; no amino-acid change (glutamic acid 291 retained).
Molecular consequence: synonymous variant.
Genome position (GRCh38, 1-based): chr2:205,725,965, A>G. VCF-style: chr2-205725965-A-G. GRCh37 (hg19) VCF-style: chr2-206590689-A-G.
Other names: c.873A>G, p.Glu291= (NM_018534.4, NM_201264.2, NM_201266.2 and 2 more transcripts).
Identifiers: ClinVar variation 4992885 (VCV004992885.1).